The following is an entry in ClinVar:

NM_181523.3(PIK3R1):c.104G>A (p.Gly35Glu)

Gene: PIK3R1 (phosphoinositide-3-kinase regulatory subunit 1; plus strand). Cytogenetic location: 5q13.1.
Variant type: single nucleotide variant.
Coding change: c.104G>A on transcript NM_181523.3 (MANE Select); coding-DNA position 104, G replaced by A.
Protein change: p.Gly35Glu; replaces glycine 35 with glutamic acid.
Molecular consequence: missense variant.
Genome position (GRCh38, 1-based): chr5:68,226,779, G>A. VCF-style: chr5-68226779-G-A. GRCh37 (hg19) VCF-style: chr5-67522607-G-A.
Other names: short protein forms G35E.
Identifiers: ClinVar variation 4786947 (VCV004786947.1).

ClinVar aggregate classification (germline): Uncertain significance (1 of 4 stars; one submission).

Conditions:
Agammaglobulinemia 7, autosomal recessive (AGM7). Also called: AGAMMAGLOBULINEMIA, AUTOSOMAL RECESSIVE, DUE TO PIK3R1 DEFECT. Identifiers: MedGen C3554689, MONDO:0014083, OMIM 615214.
SHORT syndrome. Also called: SHORT STATURE, HYPEREXTENSIBILITY, HERNIA, OCULAR DEPRESSION, RIEGER ANOMALY, AND TEETHING DELAY; LIPODYSTROPHY, PARTIAL, WITH RIEGER ANOMALY AND SHORT STATURE; PIK3R1-Related SHORT Syndrome. Identifiers: Orphanet 3163, MedGen C0878684, MONDO:0010026, OMIM 269880.
Immunodeficiency 36 with lymphoproliferation. Also called: Immunodeficiency 36; Activated PI3K Delta Syndrome Type 2 (APDS2); ACTIVATED PI3K-DELTA SYNDROME 2. Identifiers: Orphanet 397596, Orphanet 693681, MedGen C4014934, MONDO:0014453, OMIM 616005.

gnomAD v4.1: 12 of 1,613,962 alleles (0.00074%); highest among the groups gnomAD compares: Non-Finnish European, 0.001%; no homozygotes.

Submission:

Labcorp Genetics (formerly Invitae), Labcorp
Classification: Uncertain significance for SHORT syndrome; Immunodeficiency 36 with lymphoproliferation; Agammaglobulinemia 7, autosomal recessive. Last evaluated: 2025-12-15. Review status: criteria provided, single submitter. Criteria: Invitae Variant Classification Sherloc (09022015). Collection method: clinical testing. Allele origin: germline.
Comment: This sequence change replaces glycine, which is neutral and non-polar, with glutamic acid, which is acidic and polar, at codon 35 of the PIK3R1 protein (p.Gly35Glu). This variant is present in population databases (no rsID available, gnomAD 0.002%). This variant has not been reported in the literature in individuals affected with PIK3R1-related conditions. An algorithm developed to predict the effect of missense changes on protein structure and function (PolyPhen-2) suggests that this variant is likely to be disruptive. In summary, the available evidence is currently insufficient to determine the role of this variant in disease. Therefore, it has been classified as a Variant of Uncertain Significance.